The following is an entry in ClinVar:

NM_032043.3(BRIP1):c.504G>A (p.Gln168=)

Gene: BRIP1 (BRCA1 interacting DNA helicase 1; minus strand). Cytogenetic location: 17q23.2.
Variant type: single nucleotide variant.
Coding change: c.504G>A on transcript NM_032043.3 (MANE Select); coding-DNA position 504, G replaced by A.
Protein change: p.Gln168=; no amino-acid change (glutamine 168 retained).
Molecular consequence: synonymous variant.
Genome position (GRCh38, 1-based): chr17:61,849,132, C>T on the plus strand (G>A on the coding strand, the complement: BRIP1 is on the minus strand). VCF-style: chr17-61849132-C-T. GRCh37 (hg19) VCF-style: chr17-59926493-C-T.
Identifiers: ClinVar variation 422305 (VCV000422305.18), dbSNP rs1064795698, ClinGen allele CA16620543.

ClinVar aggregate classification (germline): Conflicting classifications of pathogenicity. Review status: criteria provided, conflicting classifications (1 of 4 stars). 4 submissions from 4 submitters: Uncertain significance (1); Benign (1); Likely benign (2). Last evaluated 2024-12-24.

Conditions:
Hereditary cancer-predisposing syndrome. Also called: Hereditary neoplastic syndrome; Hereditary Cancer Syndrome; Neoplastic Syndromes, Hereditary; Tumor predisposition. Identifiers: Orphanet 140162, MedGen C0027672, MeSH D009386, MONDO:0015356.
Fanconi anemia complementation group J. Also called: BRIP1-Related Fanconi Anemia. Identifiers: Orphanet 84, MedGen C1836860, MONDO:0012187, OMIM 609054.
Familial cancer of breast. Also called: hereditary breast carcinoma; Hereditary breast cancer; BREAST CANCER, FAMILIAL. Identifiers: Orphanet 227535, MedGen C0346153, MONDO:0016419, OMIM 114480. Disease mechanism: loss of function.

Allele frequency attached by ClinVar (database versions not stated): gnomAD exomes below 0.00001.
gnomAD v4.1: 2 of 1,613,542 alleles (0.00012%); highest among the groups gnomAD compares: Non-Finnish European, 0.00017%; no homozygotes.

Submissions (4):

Labcorp Genetics (formerly Invitae), Labcorp
Classification: Likely benign for Familial cancer of breast; Fanconi anemia complementation group J. Last evaluated: 2024-12-24. Review status: criteria provided, single submitter. Criteria: Invitae Variant Classification Sherloc (09022015). Collection method: clinical testing. Allele origin: germline.

Myriad Genetics, Inc.
Classification: Benign for Familial cancer of breast. Last evaluated: 2024-08-21. Review status: criteria provided, single submitter. Criteria: Myriad Autosomal Dominant, Autosomal Recessive and X-Linked Classification Criteria (2023). Collection method: clinical testing. Allele origin: unknown.
Comment: This variant is considered benign. This variant is a silent/synonymous amino acid change and it is not expected to impact splicing.

GeneDx
Classification: Uncertain significance. Last evaluated: 2016-09-22. Review status: criteria provided, single submitter. Criteria: GeneDx Variant Classification (06012015). Collection method: clinical testing. Allele origin: germline. Affected: yes.
Comment: This variant is denoted BRIP1 c.504G>A at the DNA level. This variant is silent at the coding level, preserving a Glutamine at codon 168. It is not predicted to cause abnormal splicing. This variant has not, to our knowledge, been published in the literature as being pathogenic or benign. BRIP1 c.504G>A was not observed in approximately 6,500 individuals of European and African American ancestry in the NHLBI Exome Sequencing Project, suggesting it is not a common benign variant in these populations. The nucleotide which is altered, a guanine (G) at base 504, is conserved across species. Based on currently available information, it is unclear whether BRIP1 c.504G>A is a pathogenic or benign variant. We consider it to be a variant of uncertain significance.

Ambry Genetics
Classification: Likely benign for Hereditary cancer-predisposing syndrome. Last evaluated: 2016-07-21. Review status: criteria provided, single submitter. Criteria: Ambry Variant Classification Scheme 2023. Collection method: clinical testing. Allele origin: germline.